The following is an entry in ClinVar:

ClinVar aggregate classification (germline): Uncertain significance. Review status: criteria provided, multiple submitters, no conflicts (2 of 4 stars). 4 submissions from 4 submitters: Uncertain significance (4). Last evaluated 2024-04-09.

Conditions:
Cryopyrin associated periodic syndrome (CAPS). Identifiers: Orphanet 208650, MedGen C2316212, MONDO:0016168.
Familial cold autoinflammatory syndrome 1 (FCAS1). Also called: CRYOPYRIN-ASSOCIATED PERIODIC SYNDROME 1; Familial cold inflammatory syndrome 1. Identifiers: Orphanet 47045, MedGen C4551895, MONDO:0007349, OMIM 120100.
Familial amyloid nephropathy with urticaria AND deafness (MWS). Also called: Urticaria, deafness and amyloidosis; MUCKLE-WELLS SYNDROME; CRYOPYRIN-ASSOCIATED PERIODIC SYNDROME 2; UDA SYNDROME; URTICARIA-DEAFNESS-AMYLOIDOSIS SYNDROME. Identifiers: Orphanet 575, MedGen C0268390, MONDO:0008633, OMIM 191900.
Keratitis fugax hereditaria. Also called: KERATOENDOTHELIITIS FUGAX HEREDITARIA. Identifiers: Orphanet 647815, MedGen C1835697, MONDO:0007849, OMIM 148200.
Hearing loss, autosomal dominant 34, with or without inflammation. Also called: DEAFNESS, AUTOSOMAL DOMINANT 34, WITH OR WITHOUT INFLAMMATION. Identifiers: MedGen C4521680, MONDO:0033261, OMIM 617772.
Chronic infantile neurological, cutaneous and articular syndrome (CINCA). Also called: Prieur Griscelli syndrome; CRYOPYRIN-ASSOCIATED PERIODIC SYNDROME 3; CINCA syndrome; CHRONIC NEUROLOGIC CUTANEOUS AND ARTICULAR SYNDROME. Identifiers: Orphanet 1451, MedGen C0409818, MONDO:0011776, OMIM 607115.

Allele frequency attached by ClinVar (database versions not stated): gnomAD exomes 0.00001; ExAC 0.00002; gnomAD 0.00004; TOPMed 0.00006.
gnomAD v4.1: 21 of 1,614,028 alleles (0.0013%); highest among the groups gnomAD compares: African/African-American, 0.012%; no homozygotes.

Submissions (4):

Blueprint Genetics
Classification: Uncertain significance. Last evaluated: 2024-04-09. Review status: criteria provided, single submitter. Criteria: ACMG Guidelines, 2015. Collection method: clinical testing. Allele origin: germline.

Fulgent Genetics
Classification: Uncertain significance for Familial cold autoinflammatory syndrome 1; Keratitis fugax hereditaria; Familial amyloid nephropathy with urticaria AND deafness; Chronic infantile neurological, cutaneous and articular syndrome; Hearing loss, autosomal dominant 34, with or without inflammation. Last evaluated: 2024-04-06. Review status: criteria provided, single submitter. Criteria: ACMG Guidelines, 2015. Collection method: clinical testing. Allele origin: germline.

Labcorp Genetics (formerly Invitae), Labcorp
Classification: Uncertain significance for Cryopyrin associated periodic syndrome. Last evaluated: 2023-04-22. Review status: criteria provided, single submitter. Criteria: Invitae Variant Classification Sherloc (09022015). Collection method: clinical testing. Allele origin: germline.
Comment: This sequence change replaces arginine, which is basic and polar, with threonine, which is neutral and polar, at codon 759 of the NLRP3 protein (p.Arg759Thr). This variant is present in population databases (rs201466599, gnomAD 0.006%). This variant has not been reported in the literature in individuals affected with NLRP3-related conditions. ClinVar contains an entry for this variant (Variation ID: 853955). Advanced modeling of protein sequence and biophysical properties (such as structural, functional, and spatial information, amino acid conservation, physicochemical variation, residue mobility, and thermodynamic stability) performed at Invitae indicates that this missense variant is not expected to disrupt NLRP3 protein function. In summary, the available evidence is currently insufficient to determine the role of this variant in disease. Therefore, it has been classified as a Variant of Uncertain Significance.

GeneDx
Classification: Uncertain significance. Last evaluated: 2022-08-11. Review status: criteria provided, single submitter. Criteria: GeneDx Variant Classification Process June 2021. Collection method: clinical testing. Allele origin: germline. Affected: yes.
Comment: In silico analysis supports that this missense variant does not alter protein structure/function; Has not been previously published as pathogenic or benign to our knowledge; Also known as p.(R757T)

NM_001243133.2(NLRP3):c.2270G>C (p.Arg757Thr)

Gene: NLRP3 (NLR family pyrin domain containing 3; plus strand). Cytogenetic location: 1q44.
Variant type: single nucleotide variant.
Coding change: c.2270G>C on transcript NM_001243133.2 (MANE Select); coding-DNA position 2270, G replaced by C.
Protein change: p.Arg757Thr; replaces arginine 757 with threonine.
Molecular consequence: missense variant. On other transcripts: intron variant (2).
Genome position (GRCh38, 1-based): chr1:247,429,704, G>C. VCF-style: chr1-247429704-G-C. GRCh37 (hg19) VCF-style: chr1-247593006-G-C.
Other names: c.2270G>C, p.Arg757Thr (NM_001079821.3, NM_001127461.3); c.2276G>C, p.Arg759Thr (NM_004895.5); c.2150+4105G>C (NM_001127462.3, NM_183395.3); short protein forms R757T, R759T.
Identifiers: ClinVar variation 853955 (VCV000853955.11), dbSNP rs201466599, ClinGen allele CA1495163.